The following is an entry in ClinVar:

NM_025179.4(PLXNA2):c.3894G>A (p.Thr1298=)

Gene: PLXNA2 (plexin A2; minus strand). Cytogenetic location: 1q32.2.
Variant type: single nucleotide variant.
Coding change: c.3894G>A on transcript NM_025179.4 (MANE Select); coding-DNA position 3894, G replaced by A.
Protein change: p.Thr1298=; no amino-acid change (threonine 1298 retained).
Molecular consequence: synonymous variant.
Genome position (GRCh38, 1-based): chr1:208,043,184, C>T on the plus strand (G>A on the coding strand, the complement: PLXNA2 is on the minus strand). VCF-style: chr1-208043184-C-T. GRCh37 (hg19) VCF-style: chr1-208216529-C-T.
Other names: c.3894G>A (NM_025179.3).
Identifiers: ClinVar variation 2908786 (VCV002908786.4), dbSNP rs764708684, ClinGen allele CA1373036.
Genomic context (GRCh38, chr1:208,043,184, plus strand): 5'-ACGATAGTCCAGGTAAGGGATTCCTGAGCGGTCCAGGTCACTGGTCAACTCATTGATATC[C>T]GTCTGGAGCTCAGCAAAAGCTATGAGAATAAGCAGACGGAGAGGCTCGTGGGGAAGCCCC-3'
Protein context (NP_079455.3, residues 1288-1308): ECKEAFAELQ[Thr1298=]DINELTSDLD

ClinVar aggregate classification (germline): Likely benign. Review status: criteria provided, single submitter (1 of 4 stars). 2 submissions from 2 submitters: Likely benign (1). 1 of the submissions does not count toward it. Last evaluated 2024-10-24.

Conditions:
PLXNA2-related disorder. Also called: PLXNA2-related condition.

Allele frequency attached by ClinVar (database versions not stated): ExAC 0.00004; gnomAD 0.00004; gnomAD exomes 0.00004; TOPMed 0.00004.
gnomAD v4.1: 70 of 1,613,844 alleles (0.0043%); highest among the groups gnomAD compares: African/African-American, 0.008%; no homozygotes.

Submissions (2):

Labcorp Genetics (formerly Invitae), Labcorp
Classification: Likely benign. Last evaluated: 2024-10-24. Review status: criteria provided, single submitter. Criteria: Invitae Variant Classification Sherloc (09022015). Collection method: clinical testing. Allele origin: germline.

PreventionGenetics, part of Exact Sciences
Classification: Likely benign for PLXNA2-related condition. Last evaluated: 2023-05-09. Review status: no assertion criteria provided. Collection method: clinical testing. Allele origin: germline. Not counted in ClinVar's aggregate classification.
Comment: This variant is classified as likely benign based on ACMG/AMP sequence variant interpretation guidelines (Richards et al. 2015 PMID: 25741868, with internal and published modifications).